The following is an entry in ClinVar:

NM_017654.4(SAMD9):c.3497C>T (p.Ser1166Phe)

Gene: SAMD9 (sterile alpha motif domain containing 9; minus strand). Cytogenetic location: 7q21.2.
Variant type: single nucleotide variant.
Coding change: c.3497C>T on transcript NM_017654.4 (MANE Select); coding-DNA position 3497, C replaced by T.
Protein change: p.Ser1166Phe; replaces serine 1166 with phenylalanine.
Molecular consequence: missense variant.
Genome position (GRCh38, 1-based): chr7:93,102,601, G>A on the plus strand (C>T on the coding strand, the complement: SAMD9 is on the minus strand). VCF-style: chr7-93102601-G-A. GRCh37 (hg19) VCF-style: chr7-92731914-G-A.
Other names: c.3497C>T, p.Ser1166Phe (NM_001193307.2); short protein forms S1166F.
Identifiers: ClinVar variation 3368153 (VCV003368153.2).
Genomic context (GRCh38, chr7:93,102,601, plus strand): 5'-TTTGACTTCGGATACAATCTTTCCTTCACTTCATACTCTCTATCTTCACTTTGCTGTTGA[G>A]ATTCTTTGAATGCACTTGAGGCATGTTCTGCTAAATCCAAAAGAGCAATTAGATCATCAA-3'
Protein context (NP_060124.2, residues 1156-1176): AEHASSAFKE[Ser1166Phe]QQQSEDREYE

ClinVar aggregate classification (germline): Uncertain significance. Review status: criteria provided, multiple submitters, no conflicts (2 of 4 stars). 2 submissions from 2 submitters: Uncertain significance (2). Last evaluated 2025-08-14.

Conditions:
Inborn genetic diseases. Identifiers: MedGen C0950123, MeSH D030342.

Submissions (2):

Ambry Genetics
Classification: Uncertain significance for Inborn genetic diseases. Last evaluated: 2025-08-14. Review status: criteria provided, single submitter. Criteria: Ambry Variant Classification Scheme 2023. Collection method: clinical testing. Allele origin: germline.
Comment: The p.S1166F variant (also known as c.3497C>T), located in coding exon 1 of the SAMD9 gene, results from a C to T substitution at nucleotide position 3497. The serine at codon 1166 is replaced by phenylalanine, an amino acid with highly dissimilar properties. This amino acid position is conserved. In addition, this alteration is predicted to be tolerated by in silico analysis. Based on the available evidence, the clinical significance of this variant remains unclear.

GeneDx
Classification: Uncertain significance. Last evaluated: 2024-01-21. Review status: criteria provided, single submitter. Criteria: GeneDx Variant Classification Process June 2021. Collection method: clinical testing. Allele origin: germline. Affected: yes.
Comment: Not observed at significant frequency in large population cohorts (gnomAD); In silico analysis supports that this missense variant has a deleterious effect on protein structure/function; Has not been previously published as pathogenic or benign to our knowledge; This variant is associated with the following publications: (PMID: 28545555)